The following is an entry in ClinVar:

NM_001018111.3(PODXL):c.1169C>T (p.Pro390Leu)

Gene: PODXL (podocalyxin like; minus strand). Cytogenetic location: 7q32.3.
Variant type: single nucleotide variant.
Coding change: c.1169C>T on transcript NM_001018111.3 (MANE Select); coding-DNA position 1169, C replaced by T.
Protein change: p.Pro390Leu; replaces proline 390 with leucine.
Molecular consequence: missense variant.
Genome position (GRCh38, 1-based): chr7:131,506,659, G>A on the plus strand (C>T on the coding strand, the complement: PODXL is on the minus strand). VCF-style: chr7-131506659-G-A. GRCh37 (hg19) VCF-style: chr7-131191418-G-A.
Other names: p.Pro390Leu; c.1073C>T, p.Pro358Leu (NM_005397.4); c.1169C>T (NM_001018111.2); short protein forms P358L, P390L.
Identifiers: ClinVar variation 709811 (VCV000709811.13), dbSNP rs143652476, ClinGen allele CA4488462.
Genomic context (GRCh38, chr7:131,506,659, plus strand): 5'-ACGACCACGGTCTGACTTCCTGGAACAGATGCCAGCCGTATGCCGCACTTATCTTGGGCC[G>A]GGTTGAAGGTGGCTTTGACTGCTCGGCATATCAGTGAGATCAATTTCTCATCCGAAGCGC-3'
Protein context (NP_001018121.1, residues 380-400): ICRAVKATFN[Pro390Leu]AQDKCGIRLA

ClinVar aggregate classification (germline): Conflicting classifications of pathogenicity. Review status: criteria provided, conflicting classifications (1 of 4 stars). 4 submissions from 4 submitters: Uncertain significance (1); Likely benign (2). 1 of the submissions does not count toward it. Last evaluated 2026-01-12.

Conditions:
Inborn genetic diseases. Identifiers: MedGen C0950123, MeSH D030342.
PODXL-related disorder. Also called: PODXL-related condition.

Allele frequency attached by ClinVar (database versions not stated): gnomAD exomes 0.00037; ExAC 0.00051; ESP Exome Variant Server 0.00138; gnomAD 0.00143 and 0.00150; TOPMed 0.00167; 1000 Genomes Project 30x 0.00187; 1000 Genomes Project 0.00200.
gnomAD v4.1: 467 of 1,614,156 alleles (0.029%); highest among the groups gnomAD compares: African/African-American, 0.49%; no homozygotes.

Submissions (4):

Labcorp Genetics (formerly Invitae), Labcorp
Classification: Likely benign. Last evaluated: 2026-01-12. Review status: criteria provided, single submitter. Criteria: Invitae Variant Classification Sherloc (09022015). Collection method: clinical testing. Allele origin: germline.

Mayo Clinic Laboratories, Mayo Clinic
Classification: Likely benign. Last evaluated: 2025-04-22. Review status: criteria provided, single submitter. Criteria: ACMG Guidelines, 2015. Collection method: clinical testing. Allele origin: germline. Observed: 1 variant allele.
Comment: BS1, BP4_moderate

Ambry Genetics
Classification: Uncertain significance for Inborn genetic diseases. Last evaluated: 2024-12-31. Review status: criteria provided, single submitter. Criteria: Ambry Variant Classification Scheme 2023. Collection method: clinical testing. Allele origin: germline.

PreventionGenetics, part of Exact Sciences
Classification: Likely benign for PODXL-related condition. Last evaluated: 2022-12-20. Review status: no assertion criteria provided. Collection method: clinical testing. Allele origin: germline. Not counted in ClinVar's aggregate classification.
Comment: This variant is classified as likely benign based on ACMG/AMP sequence variant interpretation guidelines (Richards et al. 2015 PMID: 25741868, with internal and published modifications).